The following is an entry in ClinVar:

NM_030973.4(MED25):c.1727C>G (p.Ala576Gly)

Gene: MED25 (mediator complex subunit 25; plus strand). Cytogenetic location: 19q13.33.
Variant type: single nucleotide variant.
Coding change: c.1727C>G on transcript NM_030973.4 (MANE Select); coding-DNA position 1727, C replaced by G.
Protein change: p.Ala576Gly; replaces alanine 576 with glycine.
Molecular consequence: missense variant.
Genome position (GRCh38, 1-based): chr19:49,835,586, C>G. VCF-style: chr19-49835586-C-G. GRCh37 (hg19) VCF-style: chr19-50338843-C-G.
Other names: c.1727C>G, p.Ala576Gly (NM_001378355.1); short protein forms A576G.
Identifiers: ClinVar variation 220933 (VCV000220933.62), dbSNP rs193291405, ClinGen allele CA348760.

ClinVar aggregate classification (germline): Benign/Likely benign. Review status: criteria provided, multiple submitters, no conflicts (2 of 4 stars). 8 submissions from 8 submitters: Benign (5); Likely benign (3). Last evaluated 2026-02-02.

Conditions:
Congenital cataract-microcephaly-nevus flammeus simplex-severe intellectual disability syndrome. Also called: Basel-Vanagaite-Smirin-Yosef syndrome. Identifiers: Orphanet 464738, MedGen C4225323, MONDO:0014643, OMIM 616449.
Charcot-Marie-Tooth disease. Also called: Charcot-Marie-Tooth Hereditary Neuropathy; Charcot-Marie-Tooth Neuropathy. Identifiers: Orphanet 166, MedGen C0007959, MONDO:0015626.
Charcot-Marie-Tooth disease type 2. Also called: Charcot-Marie-Tooth type 2. Identifiers: Orphanet 64746, MedGen C0270914, MONDO:0018993.

Allele frequency attached by ClinVar (database versions not stated): 1000 Genomes Project 0.00339; 1000 Genomes Project 30x 0.00359; gnomAD exomes 0.00656; gnomAD 0.00810 and 0.00836; ESP Exome Variant Server 0.00849; TOPMed 0.00876; ExAC 0.01141.
gnomAD v4.1: 22,558 of 1,565,174 alleles (1.4%); highest among the groups gnomAD compares: Non-Finnish European, 1.8%; 294 homozygotes.

Submissions (8):

Labcorp Genetics (formerly Invitae), Labcorp
Classification: Benign for Charcot-Marie-Tooth disease type 2. Last evaluated: 2026-02-02. Review status: criteria provided, single submitter. Criteria: Invitae Variant Classification Sherloc (09022015). Collection method: clinical testing. Allele origin: germline.

ARUP Laboratories, Molecular Genetics and Genomics, ARUP Laboratories
Classification: Benign for Congenital cataract-microcephaly-nevus flammeus simplex-severe intellectual disability syndrome. Last evaluated: 2024-12-12. Review status: criteria provided, single submitter. Criteria: ARUP Molecular Germline Variant Investigation Process 2024. Collection method: clinical testing. Allele origin: germline.

Blueprint Genetics
Classification: Likely benign. Last evaluated: 2024-11-26. Review status: criteria provided, single submitter. Criteria: ACMG Guidelines, 2015. Collection method: clinical testing. Allele origin: germline.

CeGaT Center for Human Genetics Tuebingen
Classification: Benign. Last evaluated: 2024-04-01. Review status: criteria provided, single submitter. Criteria: CeGaT Center For Human Genetics Tuebingen Variant Classification Criteria Version 2. Collection method: clinical testing. Allele origin: germline. Affected: yes. Observed: 23 variant alleles.
Comment: MED25: BP4, BS1, BS2

Genetic Services Laboratory, University of Chicago
Classification: Benign. Last evaluated: 2019-08-05. Review status: criteria provided, single submitter. Criteria: ACMG Guidelines, 2015. Collection method: clinical testing. Allele origin: germline. Affected: no.

GeneDx
Classification: Likely benign. Last evaluated: 2015-08-07. Review status: criteria provided, single submitter. Criteria: GeneDx Variant Classification (06012015). Collection method: clinical testing. Allele origin: germline. Affected: yes.
Comment: This variant is considered likely benign or benign based on one or more of the following criteria: it is a conservative change, it occurs at a poorly conserved position in the protein, it is predicted to be benign by multiple in silico algorithms, and/or has population frequency not consistent with disease.

Breakthrough Genomics
Classification: Likely benign. Review status: criteria provided, single submitter. Criteria: ACMG Guidelines, 2015. Collection method: not provided. Allele origin: germline. Inheritance: Autosomal recessive inheritance. Affected: yes.

Molecular Genetics Laboratory, London Health Sciences Centre
Classification: Benign for Charcot-Marie-Tooth disease. Review status: criteria provided, single submitter. Criteria: ACMG Guidelines, 2015. Collection method: clinical testing. Allele origin: germline. Affected: yes.